The following is an entry in ClinVar:

ClinVar aggregate classification (germline): Uncertain significance. Review status: criteria provided, multiple submitters, no conflicts (2 of 4 stars). 2 submissions from 2 submitters: Uncertain significance (2). Last evaluated 2025-12-15.

Conditions:
2-aminoadipic 2-oxoadipic aciduria (AAKAD). Also called: Aminoadipic aciduria; ALPHA-AMINOADIPIC AND ALPHA-KETOADIPIC ACIDURIA. Identifiers: Orphanet 79154, MedGen C1859817, MONDO:0008774, OMIM 204750.
Inborn genetic diseases. Identifiers: MedGen C0950123, MeSH D030342.

Allele frequency attached by ClinVar (database versions not stated): gnomAD 0.00006 and 0.00007; ESP Exome Variant Server 0.00008; TOPMed 0.00008; ExAC 0.00013; 1000 Genomes Project 30x 0.00016; 1000 Genomes Project 0.00020.
gnomAD v4.1: 116 of 1,614,138 alleles (0.0072%); highest among the groups gnomAD compares: South Asian, 0.056%; 1 homozygote.

Submissions (2):

Labcorp Genetics (formerly Invitae), Labcorp
Classification: Uncertain significance for 2-aminoadipic 2-oxoadipic aciduria. Last evaluated: 2025-12-15. Review status: criteria provided, single submitter. Criteria: Invitae Variant Classification Sherloc (09022015). Collection method: clinical testing. Allele origin: germline.
Comment: This sequence change replaces arginine, which is basic and polar, with histidine, which is basic and polar, at codon 308 of the DHTKD1 protein (p.Arg308His). This variant is present in population databases (rs17849603, gnomAD 0.06%). This variant has not been reported in the literature in individuals affected with DHTKD1-related conditions. ClinVar contains an entry for this variant (Variation ID: 578237). Invitae Evidence Modeling of protein sequence and biophysical properties (such as structural, functional, and spatial information, amino acid conservation, physicochemical variation, residue mobility, and thermodynamic stability) indicates that this missense variant is not expected to disrupt DHTKD1 protein function with a negative predictive value of 80%. In summary, the available evidence is currently insufficient to determine the role of this variant in disease. Therefore, it has been classified as a Variant of Uncertain Significance.

Ambry Genetics
Classification: Uncertain significance for Inborn genetic diseases. Last evaluated: 2024-01-30. Review status: criteria provided, single submitter. Criteria: Ambry Variant Classification Scheme 2023. Collection method: clinical testing. Allele origin: germline.

NM_018706.7(DHTKD1):c.923G>A (p.Arg308His)

Gene: DHTKD1 (dehydrogenase E1 and transketolase domain containing 1; plus strand). Cytogenetic location: 10p14.
Variant type: single nucleotide variant.
Coding change: c.923G>A on transcript NM_018706.7 (MANE Select); coding-DNA position 923, G replaced by A.
Protein change: p.Arg308His; replaces arginine 308 with histidine.
Molecular consequence: missense variant.
Genome position (GRCh38, 1-based): chr10:12,089,191, G>A. VCF-style: chr10-12089191-G-A. GRCh37 (hg19) VCF-style: chr10-12131190-G-A.
Other names: c.923G>A (NM_018706.5); short protein forms R308H.
Identifiers: ClinVar variation 578237 (VCV000578237.8), dbSNP rs17849603, ClinGen allele CA5407683.